The following is an entry in ClinVar:

ClinVar aggregate classification (germline): Uncertain significance. Review status: criteria provided, multiple submitters, no conflicts (2 of 4 stars). 2 submissions from 2 submitters: Uncertain significance (2). Last evaluated 2025-05-07.

gnomAD v4.1: 26 of 1,614,098 alleles (0.0016%); highest among the groups gnomAD compares: Middle Eastern, 0.016%; no homozygotes.

Submissions (2):

Ambry Genetics
Classification: Uncertain significance. Last evaluated: 2025-05-07. Review status: criteria provided, single submitter. Criteria: Ambry Variant Classification Scheme 2023. Collection method: clinical testing. Allele origin: germline.

Labcorp Genetics (formerly Invitae), Labcorp
Classification: Uncertain significance. Last evaluated: 2024-10-16. Review status: criteria provided, single submitter. Criteria: Invitae Variant Classification Sherloc (09022015). Collection method: clinical testing. Allele origin: germline.
Comment: This sequence change replaces serine, which is neutral and polar, with leucine, which is neutral and non-polar, at codon 185 of the SYNPO protein (p.Ser185Leu). This variant is present in population databases (rs374725829, gnomAD 0.004%). This variant has not been reported in the literature in individuals affected with SYNPO-related conditions. An algorithm developed to predict the effect of missense changes on protein structure and function (PolyPhen-2) suggests that this variant is likely to be tolerated. In summary, the available evidence is currently insufficient to determine the role of this variant in disease. Therefore, it has been classified as a Variant of Uncertain Significance.

NM_007286.6(SYNPO):c.554C>T (p.Ser185Leu)

Gene: SYNPO (synaptopodin; plus strand). Cytogenetic location: 5q33.1.
Variant type: single nucleotide variant.
Coding change: c.554C>T on transcript NM_007286.6 (MANE Select); coding-DNA position 554, C replaced by T.
Protein change: p.Ser185Leu; replaces serine 185 with leucine.
Molecular consequence: missense variant.
Genome position (GRCh38, 1-based): chr5:150,648,829, C>T. VCF-style: chr5-150648829-C-T. GRCh37 (hg19) VCF-style: chr5-150028391-C-T.
Other names: c.554C>T, p.Ser185Leu (NM_001109974.3); c.1286C>T, p.Ser429Leu (NM_001166208.2, NM_001166209.2); c.1286C>T (NM_001166208.1); short protein forms S185L, S429L.
Identifiers: ClinVar variation 3715524 (VCV003715524.3).
Genomic context (GRCh38, chr5:150,648,829, plus strand): 5'-CCACCACCAGCACCTTCTCCAGAGAAGCTACGCTCATCCCCAGCTCCAGGCCCCCAGCCT[C>T]AGATTTCATGTCCAGCTCCCTGCTCATTGACATCCAGCCCAACACCCTAGTGGTGTCAGC-3'
Protein context (NP_009217.3, residues 175-195): TLIPSSRPPA[Ser185Leu]DFMSSSLLID